The following continues an entry in ClinVar:

NM_000218.3(KCNQ1):c.1022C>A (p.Ala341Glu)

Gene: KCNQ1. ClinVar aggregate classification (germline): Pathogenic. Pathogenic (9).

Submissions 7 to 12 of 12:

Color Diagnostics, LLC DBA Color Health
Classification: Pathogenic for Cardiac arrhythmia. Last evaluated: 2021-11-16. Review status: criteria provided, single submitter. Criteria: ACMG Guidelines, 2015. Collection method: clinical testing. Allele origin: germline.
Comment: This missense variant replaces alanine with glutamic acid at codon 341 in the transmembrane domain segment S6 of the KCNQ1 protein. This variant is also known as p.Ala212Glu in literature based on GeneBank accession number U40990 (PMID: 8528244). Computational prediction suggests that this variant may have deleterious impact on protein structure and function (internally defined REVEL score threshold >= 0.7, PMID: 27666373). A functional study has shown that this variant causes a dominant-negative suppression of potassium current in vitro (PMID: 10376919). Transgenic mice expressing a murine variant orthologous to the human variant display cardiac arrhythmias in ECG recordings (PMID: 20368164). This variant has been reported in over twenty individuals affected with long QT syndrome (PMID: 8528244, 10973849, 8528244, 10973849, 26318259, 23124029, 24217263, 24861447, 32893267, 33900377). It has been shown that this variant segregates with long QT syndrome in two families (PMID: 8528244, 10973849). A different missense variant occurring at the same codon, p.Ala341Val, is known to be pathogenic (Clinvar variation ID 3121), indicating that alanine at this position is important for KCNQ1 protein function. This variant has not been identified in the general population by the Genome Aggregation Database (gnomAD). Based on the available evidence, this variant is classified as Pathogenic.

Revvity Omics, Revvity
Classification: Pathogenic. Last evaluated: 2021-01-21. Review status: criteria provided, single submitter. Criteria: ACMG Guidelines, 2015. Collection method: clinical testing. Allele origin: germline.

ARUP Laboratories, Molecular Genetics and Genomics, ARUP Laboratories
Classification: Pathogenic. Last evaluated: 2020-06-01. Review status: criteria provided, single submitter. Criteria: ARUP Molecular Germline Variant Investigation Process. Collection method: clinical testing. Allele origin: germline.
Comment: The KCNQ1 c.1022C>A; p.Ala341Glu variant (rs12720459) is reported in the literature in multiple individuals and families affected with long QT syndrome (LQTS) and co-segregates with disease in at least three different families (Berthet 1999, Laksman 2014, Splawski 2000, Wang 1996). This variant is absent from general population databases (Exome Variant Server, Genome Aggregation Database), indicating it is not a common polymorphism. The alanine at codon 341 is highly conserved, and functional studies demonstrate that this variant causes loss of ion channel activity and exerts a dominant negative effect on wildtype protein (Wang 1999). Further, a transgenic mouse model expressing a murine variant orthologous to the human p.Ala341Glu exhibits arrhythmias and cardiac dysfunction similar to human patients (Goldman 2009). Another amino acid substitution at this codon (p.Ala341Val) has also been reported in multiple individuals and families with LQTS and is considered disease-causing (Splawski 2000, Wang 1996). Based on available information, the p.Ala341Glu variant is considered to be pathogenic. References: Berthet M et al. C-terminal HERG mutations: the role of hypokalemia and a KCNQ1-associated mutation in cardiac event occurrence. Circulation. 1999 Mar 23;99(11):1464-70. Goldman AM et al. Arrhythmia in heart and brain: KCNQ1 mutations link epilepsy and sudden unexplained death. Sci Transl Med. 2009 Oct 14;1(2):2ra6. Laksman ZW et al. Early repolarization is associated with symptoms in patients with type 1 and type 2 long QT syndrome. Heart Rhythm. 2014 Sep;11(9):1632-8. Splawski I et al. Spectrum of mutations in long-QT syndrome genes. KVLQT1, HERG, SCN5A, KCNE1, and KCNE2. Circulation. 2000 Sep 5;102(10):1178-85. Wang Q et al. Positional cloning of a novel potassium channel gene: KVLQT1 mutations cause cardiac arrhythmias. Nat Genet. 1996 Jan;12(1):17-23. Wang Z et al. Functional effects of mutations in KvLQT1 that cause long QT syndrome. J Cardiovasc Electrophysiol. 1999 Jun;10(6):817-26.

OMIM
Classification: Pathogenic for LONG QT SYNDROME 1. Last evaluated: 1999-03-23. Review status: no assertion criteria provided. Collection method: literature only. Allele origin: germline. Not counted in ClinVar's aggregate classification.

OMIM
Classification: Pathogenic for LONG QT SYNDROME 1/2, DIGENIC. Last evaluated: 1999-03-23. Review status: no assertion criteria provided. Collection method: literature only. Allele origin: germline. Not counted in ClinVar's aggregate classification.

Cardiovascular Biomedical Research Unit, Royal Brompton & Harefield NHS Foundation Trust
No classification provided. Condition: Familial long QT syndrome. Review status: no classification provided. Collection method: literature only. Allele origin: germline. Not counted in ClinVar's aggregate classification.
Comment: This variant has been reported as associated with Long QT syndrome in the following publications (PMID:8528244;PMID:10086971;PMID:10973849;PMID:12702160;PMID:14678125;PMID:17984373;PMID:19716085;PMID:19841300;PMID:20368164;PMID:10376919;PMID:17470695). This is a literature report, and does not necessarily reflect the clinical interpretation of the Imperial College / Royal Brompton Cardiovascular Genetics laboratory.

Literature cited by the submitters: PubMed 8528244 (cited by 5 submitters); PubMed 10086971 (cited by 4 submitters); PubMed 16627448 (cited by Labcorp Genetics (formerly Invitae), Labcorp); PubMed 19716085 (cited by 3 submitters); PubMed 22949429 (cited by Labcorp Genetics (formerly Invitae), Labcorp and Ambry Genetics); PubMed 10376919 (cited by 5 submitters); PubMed 20368164 (cited by 4 submitters); PubMed 22095730 (cited by Labcorp Genetics (formerly Invitae), Labcorp); PubMed 15028050 (cited by Labcorp Genetics (formerly Invitae), Labcorp); PubMed 17984373 (cited by Labcorp Genetics (formerly Invitae), Labcorp and Cardiovascular Biomedical Research Unit, Royal Brompton & Harefield NHS Foundation Trust); PubMed 10973849 (cited by 3 submitters); PubMed 12702160 (cited by Ambry Genetics and Cardiovascular Biomedical Research Unit, Royal Brompton & Harefield NHS Foundation Trust); PubMed 14678125 (cited by Ambry Genetics and Cardiovascular Biomedical Research Unit, Royal Brompton & Harefield NHS Foundation Trust); PubMed 15498462 (cited by Ambry Genetics); PubMed 17470695 (cited by Ambry Genetics and Cardiovascular Biomedical Research Unit, Royal Brompton & Harefield NHS Foundation Trust); PubMed 19490272 (cited by Ambry Genetics); PubMed 19841300 (cited by Ambry Genetics and Cardiovascular Biomedical Research Unit, Royal Brompton & Harefield NHS Foundation Trust); PubMed 22581653 (cited by Ambry Genetics and Cardiovascular Biomedical Research Unit, Royal Brompton & Harefield NHS Foundation Trust); PubMed 24217263 (cited by 3 submitters); PubMed 24861447 (cited by 3 submitters); PubMed 25192979 (cited by Ambry Genetics); PubMed 19632626 (cited by Victorian Clinical Genetics Services, Murdoch Childrens Research Institute); PubMed 20301308 (cited by Victorian Clinical Genetics Services, Murdoch Childrens Research Institute); PubMed 22677073 (cited by Victorian Clinical Genetics Services, Murdoch Childrens Research Institute); PubMed 28438721 (cited by Victorian Clinical Genetics Services, Murdoch Childrens Research Institute); PubMed 23124029 (cited by Color Diagnostics, LLC DBA Color Health); PubMed 26318259 (cited by Color Diagnostics, LLC DBA Color Health); PubMed 32893267 (cited by Color Diagnostics, LLC DBA Color Health); PubMed 33900377 (cited by Color Diagnostics, LLC DBA Color Health).